The following is an entry in ClinVar:

ClinVar aggregate classification (germline): Benign. Review status: criteria provided, multiple submitters, no conflicts (2 of 4 stars). 3 submissions from 3 submitters: Benign (3). Last evaluated 2024-07-15.

Allele frequency attached by ClinVar (database versions not stated): TOPMed 0.16159; ESP Exome Variant Server 0.16943; ExAC 0.20156; 1000 Genomes Project 30x 0.12680; 1000 Genomes Project 0.13139; gnomAD exomes 0.19890.
gnomAD v4.1: 348,968 of 1,610,298 alleles (22%); highest among the groups gnomAD compares: Non-Finnish European, 23%; 39,930 homozygotes.

Submissions (3):

Unidad de Genómica Garrahan, Hospital de Pediatría Garrahan
Classification: Benign. Last evaluated: 2024-07-15. Review status: criteria provided, single submitter. Criteria: ACMG Guidelines, 2015. Collection method: clinical testing. Allele origin: germline. Affected: no. Observed: 28 variant alleles.
Comment: This variant is classified as Benign based on local population frequency. This variant was detected in 30% of patients studied in a panel designed for Epileptic and Developmental Encephalopathy and Progressive Myoclonus Epilepsy. Number of patients: 28. Only high quality variants are reported.

GeneDx
Classification: Benign. Last evaluated: 2018-06-23. Review status: criteria provided, single submitter. Criteria: GeneDx Variant Classification Process June 2021. Collection method: clinical testing. Allele origin: germline. Affected: yes.

Breakthrough Genomics
Classification: Benign. Review status: criteria provided, single submitter. Criteria: ACMG Guidelines, 2015. Collection method: not provided. Allele origin: germline. Inheritance: Autosomal dominant inheritance. Affected: yes.

NM_022489.4(INF2):c.668-31G>A

Gene: INF2 (inverted formin 2; plus strand). Cytogenetic location: 14q32.33.
Variant type: single nucleotide variant.
Coding change: c.668-31G>A on transcript NM_022489.4 (MANE Select); 31 bases into the intron before coding-DNA position 668, G replaced by A.
Molecular consequence: intron variant.
Genome position (GRCh38, 1-based): chr14:104,703,885, G>A. VCF-style: chr14-104703885-G-A. GRCh37 (hg19) VCF-style: chr14-105170222-G-A.
Other names: c.668-31G>A (NM_001031714.4, NM_032714.3).
Identifiers: ClinVar variation 1240917 (VCV001240917.5), dbSNP rs7145851, ClinGen allele CA7372381.